The following is an entry in ClinVar:

ClinVar aggregate classification (germline): Uncertain significance (1 of 4 stars; one submission).

Conditions:
Hereditary cancer-predisposing syndrome. Also called: Neoplastic Syndromes, Hereditary; Tumor predisposition; Hereditary Cancer Syndrome; Hereditary neoplastic syndrome. Identifiers: Orphanet 140162, MedGen C0027672, MeSH D009386, MONDO:0015356.

Submission:

Ambry Genetics
Classification: Uncertain significance for Hereditary cancer-predisposing syndrome. Last evaluated: 2025-10-24. Review status: criteria provided, single submitter. Criteria: Ambry Variant Classification Scheme 2023. Collection method: clinical testing. Allele origin: germline.
Comment: The p.S255F variant (also known as c.764C>T), located in coding exon 8 of the CDC73 gene, results from a C to T substitution at nucleotide position 764. The serine at codon 255 is replaced by phenylalanine, an amino acid with highly dissimilar properties. This amino acid position is highly conserved in available vertebrate species. In addition, this alteration is predicted to be deleterious by in silico analysis. Based on the available evidence, the clinical significance of this variant remains unclear.

NM_024529.5(CDC73):c.764C>T (p.Ser255Phe)

Gene: CDC73 (cell division cycle 73; plus strand). Cytogenetic location: 1q31.2.
Variant type: single nucleotide variant.
Coding change: c.764C>T on transcript NM_024529.5 (MANE Select); coding-DNA position 764, C replaced by T.
Protein change: p.Ser255Phe; replaces serine 255 with phenylalanine.
Molecular consequence: missense variant.
Genome position (GRCh38, 1-based): chr1:193,147,901, C>T. VCF-style: chr1-193147901-C-T. GRCh37 (hg19) VCF-style: chr1-193117031-C-T.
Other names: short protein forms S255F.
Identifiers: ClinVar variation 4631585 (VCV004631585.1).